The following is an entry in ClinVar:

NM_032551.5(KISS1R):c.739-3del

Gene: KISS1R (KISS1 receptor; plus strand). Cytogenetic location: 19p13.3.
Variant type: Deletion.
Coding change: c.739-3del on transcript NM_032551.5 (MANE Select); 3 bases into the intron before coding-DNA position 739, one base deleted (C; older notation c.739-3delC).
Molecular consequence: intron variant.
Genome position (GRCh38, 1-based): chr19:920,287, C deleted; the last of 7 consecutive C bases (chr19:920,281-920,287); deleting any one gives the same sequence. VCF-style (leftmost placement, unchanged base first): chr19-920280-AC-A. GRCh37 (hg19) VCF-style: chr19-920280-AC-A.
Identifiers: ClinVar variation 778800 (VCV000778800.40), dbSNP rs527398797, ClinGen allele CA9028830.

ClinVar aggregate classification (germline): Benign/Likely benign. Review status: criteria provided, multiple submitters, no conflicts (2 of 4 stars). 3 submissions from 3 submitters: Benign (1); Likely benign (2). Last evaluated 2024-06-02.

Submissions (3):

Labcorp Genetics (formerly Invitae), Labcorp
Classification: Benign. Last evaluated: 2024-06-02. Review status: criteria provided, single submitter. Criteria: Invitae Variant Classification Sherloc (09022015). Collection method: clinical testing. Allele origin: germline.

CeGaT Center for Human Genetics Tuebingen
Classification: Likely benign. Last evaluated: 2022-07-01. Review status: criteria provided, single submitter. Criteria: CeGaT Center For Human Genetics Tuebingen Variant Classification Criteria Version 2. Collection method: clinical testing. Allele origin: germline. Affected: yes. Observed: 1 variant allele.
Comment: KISS1R: BP4

GeneDx
Classification: Likely benign. Last evaluated: 2020-09-09. Review status: criteria provided, single submitter. Criteria: GeneDx Variant Classification Process June 2021. Collection method: clinical testing. Allele origin: germline. Affected: yes.
Comment: This variant is associated with the following publications: (PMID: 20696889)